The following is an entry in ClinVar:

NM_198253.3(TERT):c.2936G>A (p.Arg979Gln)

Gene: TERT (telomerase reverse transcriptase; minus strand). Cytogenetic location: 5p15.33.
Variant type: single nucleotide variant.
Coding change: c.2936G>A on transcript NM_198253.3 (MANE Select); coding-DNA position 2936, G replaced by A.
Protein change: p.Arg979Gln; replaces arginine 979 with glutamine.
Molecular consequence: missense variant. On other transcripts: non-coding transcript variant (2).
Genome position (GRCh38, 1-based): chr5:1,260,508, C>T on the plus strand (G>A on the coding strand, the complement: TERT is on the minus strand). VCF-style: chr5-1260508-C-T. GRCh37 (hg19) VCF-style: chr5-1260623-C-T.
Other names: c.2747G>A, p.Arg916Gln (NM_001193376.3); short protein forms R979Q, R916Q.
Identifiers: ClinVar variation 506255 (VCV000506255.21), dbSNP rs765566930, ClinGen allele CA3184345.

ClinVar aggregate classification (germline): Conflicting classifications of pathogenicity. Review status: criteria provided, conflicting classifications (1 of 4 stars). 6 submissions from 6 submitters: Likely pathogenic (2); Uncertain significance (4). Last evaluated 2024-10-29.

Conditions:
Dyskeratosis congenita, autosomal dominant 2. Identifiers: MedGen C3151443, MONDO:0013521, OMIM 613989.
Idiopathic Pulmonary Fibrosis. Also called: Idiopathic fibrosing alveolitis, chronic form; idiopathic fibrosing alveolitis. Identifiers: Orphanet 2032, MedGen C1800706, MeSH D054990, MONDO:0800504.

Allele frequency attached by ClinVar (database versions not stated): ExAC 0.00001; gnomAD exomes 0.00001.
gnomAD v4.1: 11 of 1,614,154 alleles (0.00068%); highest among the groups gnomAD compares: Non-Finnish European, 0.00093%; no homozygotes.

Submissions (6):

GeneDx
Classification: Uncertain significance. Last evaluated: 2024-10-29. Review status: criteria provided, single submitter. Criteria: GeneDx Variant Classification Process June 2021. Collection method: clinical testing. Allele origin: germline. Affected: yes.
Comment: Identified in a patient with bone marrow failure, cerebellar hypoplasia, and microcephaly, however, this variant is also present in the unaffected mother, and is not thought to be causative for this patient's phenotype (PMID: 26024875); Not observed at significant frequency in large population cohorts (gnomAD); In silico analysis indicates that this missense variant does not alter protein structure/function; This variant is associated with the following publications: (PMID: 26024875)

Labcorp Genetics (formerly Invitae), Labcorp
Classification: Uncertain significance for Dyskeratosis congenita, autosomal dominant 2; Idiopathic Pulmonary Fibrosis. Last evaluated: 2024-04-30. Review status: criteria provided, single submitter. Criteria: Invitae Variant Classification Sherloc (09022015). Collection method: clinical testing. Allele origin: germline.
Comment: This sequence change replaces arginine, which is basic and polar, with glutamine, which is neutral and polar, at codon 979 of the TERT protein (p.Arg979Gln). This variant is present in population databases (rs765566930, gnomAD 0.0009%). This missense change has been observed in individual(s) with dyskeratosis congenita (PMID: 26024875). ClinVar contains an entry for this variant (Variation ID: 506255). Algorithms developed to predict the effect of missense changes on protein structure and function output the following: SIFT: "Not Available"; PolyPhen-2: "Benign"; Align-GVGD: "Not Available". The glutamine amino acid residue is found in multiple mammalian species, which suggests that this missense change does not adversely affect protein function. Experimental studies are conflicting or provide insufficient evidence to determine the effect of this variant on TERT function (PMID: 26024875). In summary, the available evidence is currently insufficient to determine the role of this variant in disease. Therefore, it has been classified as a Variant of Uncertain Significance.

Johns Hopkins Genomics, Johns Hopkins University
Classification: Likely pathogenic for Dyskeratosis congenita, autosomal dominant 2. Last evaluated: 2019-08-06. Review status: criteria provided, single submitter. Criteria: ACMG Guidelines, 2015. Collection method: clinical testing. Allele origin: germline.
Comment: This TERT variant (rs765566930) is rare (<0.1%) in one large population dataset and absent from another (ExAC: 1/120770 total alleles; 0.000008%; no homozygotes). A single submitter in ClinVar classifies this variant as a variant of uncertain clinical significance. This variant has been reported in a patient with clinical findings consistent with dyskeratosis congenita, and functional studies suggest that this substitution may impact telomerase activity. The arginine reside at this position is predicted to be in the TERT nuclear export signal. An alternate missense change at this position (p.Arg979Trp) has been identified in a patient with aplastic anemia and may affect telomerase function. If the patient meets the clinical diagnostic criteria for telomere shortening disorders, c.2936G>A is likely the molecular cause of to disease9.

Genetic Services Laboratory, University of Chicago
Classification: Uncertain significance. Last evaluated: 2018-05-04. Review status: criteria provided, single submitter. Criteria: ACMG Guidelines, 2015. Collection method: clinical testing. Allele origin: germline. Affected: no.

Laboratory for Molecular Medicine, Mass General Brigham Personalized Medicine
Classification: Uncertain significance. Last evaluated: 2017-12-26. Review status: criteria provided, single submitter. Criteria: LMM Criteria. Collection method: clinical testing. Allele origin: germline. Observed: 1 variant allele.
Comment: Variant classified as Uncertain Significance - Favor Pathogenic. The p.Arg979Gln variant in TERT has been reported in one individual with features of dyskeratos is congenita and in an unaffected parent (Collopy 2015). It has also been identi fied in 1/111716 European chromosomes by the Genome Aggregation Database (gnomAD; dbSNP rs765566930). In vitro functional stud ies show that the variant results in reduced telomerase activity which is at 35% of that observed in wild type cells (Collopy 2015). Computational prediction to ols and conservation analysis provide conflicting predictions on impact of the v ariant to the protein. Splice prediction tools suggest creation of a novel crypt ic splice site that may impact normal splicing; however, glutamine (Gln) at this position is also present 3 mammals (cow, sheep, and antelope), raising the poss ibility that this change may be tolerated. In summary, while there is some suspi cion for a pathogenic role, the clinical significance of the p.Arg979Gln variant is uncertain. ACMG/AMP Criteria applied: PM2; PS4_Supporting.

Dept. of Cytogenetics, ICMR- National Institute of Immunohaematology
Classification: Likely pathogenic for Dyskeratosis congenita, autosomal dominant 2. Review status: criteria provided, single submitter. Criteria: ACMG Guidelines, 2015. Collection method: clinical testing. Allele origin: inherited. Affected: yes. Observed: 1 variant allele.

Literature cited by the submitters: PubMed 26024875 (cited by Labcorp Genetics (formerly Invitae), Labcorp and Laboratory for Molecular Medicine, Mass General Brigham Personalized Medicine).